The following is an entry in ClinVar:

ClinVar aggregate classification (germline): Conflicting classifications of pathogenicity. Review status: criteria provided, conflicting classifications (1 of 4 stars). 3 submissions from 3 submitters: Uncertain significance (2); Likely benign (1). Last evaluated 2024-02-24.

Conditions:
Cardiomyopathy (CMYO). Also called: Cardiomyopathies. Identifiers: Orphanet 167848, MedGen C0878544, MONDO:0004994, HP:0001638. Inheritance: Various modes of inheritance.
Hypertrophic cardiomyopathy. Also called: HYPERTROPHIC MYOCARDIOPATHY. Identifiers: Orphanet 217569, MedGen C0007194, MeSH D002312, MONDO:0005045, HP:0001639.

Submissions (3):

Labcorp Genetics (formerly Invitae), Labcorp
Classification: Likely benign for Hypertrophic cardiomyopathy. Last evaluated: 2024-02-24. Review status: criteria provided, single submitter. Criteria: Invitae Variant Classification Sherloc (09022015). Collection method: clinical testing. Allele origin: germline.

All of Us Research Program, National Institutes of Health
Classification: Uncertain significance for Hypertrophic cardiomyopathy. Last evaluated: 2023-06-26. Review status: criteria provided, single submitter. Criteria: ACMG Guidelines, 2015. Collection method: clinical testing. Allele origin: germline. Inheritance: Autosomal dominant inheritance. Observed: 1 variant allele, 1 heterozygote.
Comment: This variant causes a C to G nucleotide substitution at the -7 position of intron 28 of the MYBPC3 gene. To our knowledge, functional studies have not been reported for this variant. This variant has not been reported in individuals affected with MYBPC3-related disorders in the literature. This variant has not been identified in the general population by the Genome Aggregation Database (gnomAD). The available evidence is insufficient to determine the role of this variant in disease conclusively. Therefore, this variant is classified as a Variant of Uncertain Significance.

This study involves interpretation of variants in research participants for the purpose of population health screening. Participant phenotype was not available at the time of variant classification. Additional details can be found in publication PMID: 35346344, PMCID: PMC8962531

Color Diagnostics, LLC DBA Color Health
Classification: Uncertain significance for Cardiomyopathy. Last evaluated: 2023-06-21. Review status: criteria provided, single submitter. Criteria: ACMG Guidelines, 2015. Collection method: clinical testing. Allele origin: germline.
Comment: This variant causes a C to G nucleotide substitution at the -7 position of intron 28 of the MYBPC3 gene. To our knowledge, functional studies have not been reported for this variant. This variant has not been reported in individuals affected with MYBPC3-related disorders in the literature. This variant has not been identified in the general population by the Genome Aggregation Database (gnomAD). The available evidence is insufficient to determine the role of this variant in disease conclusively. Therefore, this variant is classified as a Variant of Uncertain Significance.

NM_000256.3(MYBPC3):c.2995-7C>G

Gene: MYBPC3 (myosin binding protein C3; minus strand). Cytogenetic location: 11p11.2.
Variant type: single nucleotide variant.
Coding change: c.2995-7C>G on transcript NM_000256.3 (MANE Select); 7 bases into the intron before coding-DNA position 2995, C replaced by G.
Molecular consequence: intron variant.
Genome position (GRCh38, 1-based): chr11:47,333,759, G>C on the plus strand (C>G on the coding strand, the complement: MYBPC3 is on the minus strand). VCF-style: chr11-47333759-G-C. GRCh37 (hg19) VCF-style: chr11-47355310-G-C.
Identifiers: ClinVar variation 1435389 (VCV001435389.9), dbSNP rs2142851681, ClinGen allele CA2573146371.
Genomic context (GRCh38, chr11:47,333,759, plus strand): 5'-GCCTGCCAGGGGCTGCCCCTCTTTGGTCCAGGTCACCTGAGGCCGGGGCTTGCCCTGAGG[G>C]GAGGAAAAGCTTAACCCTGAACCTGGATCACTCCAAGGGCCGGCCGCCACCCCAGCCTCT-3'